The following is an entry in ClinVar:

NC_000009.12:g.35658020_35658048dup

Gene: RMRP (RNA component of mitochondrial RNA processing endoribonuclease; minus strand). Cytogenetic location: 9p13.3.
Variant type: Duplication.
Genome position: GRCh38 VCF-style: chr9-35658018-C-CACGTCCTCAGCTTCACAGAGTAGTATTTT. GRCh37 (hg19) VCF-style: chr9-35658015-C-CACGTCCTCAGCTTCACAGAGTAGTATTTT.
Identifiers: ClinVar variation 4735014 (VCV004735014.1).

ClinVar aggregate classification (germline): Pathogenic (1 of 4 stars; one submission).

Conditions:
Anauxetic dysplasia. Identifiers: Orphanet 93347, MedGen C1846796, MONDO:0011773.

Submission:

Labcorp Genetics (formerly Invitae), Labcorp
Classification: Pathogenic for Anauxetic dysplasia. Last evaluated: 2026-01-09. Review status: criteria provided, single submitter. Criteria: Invitae Variant Classification Sherloc (09022015). Collection method: clinical testing. Allele origin: germline.
Comment: This variant occurs in the RMRP gene, which encodes an RNA molecule that does not result in a protein product. This variant is not present in population databases (gnomAD no frequency). While this particular variant has not been reported in the literature, it is located in the promoter region between the TATA box and the transcription initiation site, and other insertions and duplications immediately upstream of the coding sequence have been reported in individuals affected with cartilage-hair hypoplasia-anauxetic dysplasia (CHH-AD) spectrum disorders (PMID: 16244706, 11207361, 12107819). While functional studies for this variant have not been reported, experimental analyses using patient derived cells, as well as in vitro transfection studies, have shown that promoter insertions result in silencing of RMRP transcription and reduced expression of the gene product (PMID: 11207361, 16254002). For these reasons, this variant has been classified as Pathogenic.

Literature cited by the submitters: PubMed 16244706; PubMed 11207361; PubMed 12107819; PubMed 16254002.